The following is an entry in ClinVar:

NM_001846.4(COL4A2):c.4038del (p.Arg1349fs)

Genes: COL4A2 (collagen type IV alpha 2 chain; plus strand), COL4A2-AS1 (COL4A2 antisense RNA 1; minus strand). Cytogenetic location: 13q34.
Variant type: Deletion.
Coding change: c.4038del on transcript NM_001846.4 (MANE Select); coding-DNA position 4038, one base deleted (A; older notation c.4038delA).
Protein change: p.Arg1349fs; shifts the reading frame from arginine 1349.
Molecular consequence: frameshift variant.
Genome position (GRCh38, 1-based): chr13:110,503,281, A deleted; the last of 5 consecutive A bases (chr13:110,503,277-110,503,281); deleting any one gives the same sequence. VCF-style (leftmost placement, unchanged base first): chr13-110503276-GA-G. GRCh37 (hg19) VCF-style: chr13-111155623-GA-G.
Other names: short protein forms R1349fs.
Identifiers: ClinVar variation 4813470 (VCV004813470.1).
Genomic context (GRCh38, chr13:110,503,276, plus strand): 5'-AAAGGATGGGCCGGGGACTCCGGGCCCCAGGGCAGGCCTGGTGTGTTTGGTCTCCCAGGA[GA>G]AAAAGGTAACAGTGCCCATGGCCATGGGCCAGCAGCCCTGGCCACAGTGAGAGGAGCCCC-3'

ClinVar aggregate classification (germline): Likely pathogenic (1 of 4 stars; one submission).

Conditions:
Brain small vessel disease 2A, autosomal dominant. Also called: Porencephaly 2. Identifiers: Orphanet 2940, Orphanet 99810, MedGen C3280970, MONDO:0013773, OMIM 614483.

Submission:

MVZ Praenatalmedizin und Genetik Nuernberg
Classification: Likely pathogenic for Brain small vessel disease 2A, autosomal dominant. Last evaluated: 2024-12-16. Review status: criteria provided, single submitter. Criteria: ACMG Guidelines, 2015. Collection method: clinical testing. Allele origin: paternal. Affected: yes.
Comment: The variant leads to a shift in the reading frame and consequently probably to premature degradation of the mRNA (nonsense-mediated decay, NMD) or to premature truncation of the protein (p.(Arg1349Glyfs*110)). The variant is located in the triple helix region (amino acids 184-1484; Uniprot) of the protein, which is essential for heterotrimer formation with the related COL4A1 protein (collagen triple helix). The variant has not yet been recorded in the population-based database gnomAD (v.2, v.4) or the ClinVar database, nor has it been described in the literature. Downstream of the variant detected here other truncating COL4A2 variants have been annotated as pathogenic in ClinVar. The majority of pathogenic COL4A2 variants are missense variants in the triple helix region, which are thought to have a dominant-negative effect. However, pathogenic frameshift, nonsense, and splice variants have also been described on the basis of haploinsufficiency. In summary, based on the current data, we believe this to be a likely pathogenic variant.